The following is an entry in ClinVar:

ClinVar aggregate classification (germline): Uncertain significance. Review status: criteria provided, multiple submitters, no conflicts (2 of 4 stars). 2 submissions from 2 submitters: Uncertain significance (2). Last evaluated 2025-08-11.

Conditions:
LOXHD1-related disorder. Also called: LOXHD1-related condition.

Allele frequency attached by ClinVar (database versions not stated): gnomAD exomes below 0.00001 and 0.00002; gnomAD 0.00001; TOPMed 0.00001.
gnomAD v4.1: 8 of 1,551,564 alleles (0.00052%); highest among the groups gnomAD compares: Non-Finnish European, 0.0007%; no homozygotes.

Submissions (2):

PreventionGenetics, part of Exact Sciences
Classification: Uncertain significance for LOXHD1-related condition. Last evaluated: 2025-08-11. Review status: criteria provided, single submitter. Criteria: ACMG Guidelines, 2015. Collection method: clinical testing. Allele origin: germline.
Comment: The LOXHD1 c.5723T>A variant is predicted to result in the amino acid substitution p.Val1908Asp. To our knowledge, this variant has not been reported in the literature. This variant is reported in 0.0050% of alleles in individuals of European (Non-Finnish) descent in gnomAD. Although we suspect that this variant may be pathogenic, at this time, the clinical significance of this variant is uncertain due to the absence of conclusive functional and genetic evidence.

Eurofins Ntd Llc (ga)
Classification: Uncertain significance. Last evaluated: 2017-12-21. Review status: criteria provided, single submitter. Criteria: EGL Classification Definitions 2015. Collection method: clinical testing. Allele origin: germline. Observed: 2 variant alleles, 2 heterozygotes.

NM_001384474.1(LOXHD1):c.5909T>A (p.Val1970Asp)

Gene: LOXHD1 (lipoxygenase homology PLAT domains 1; minus strand). Cytogenetic location: 18q21.1.
Variant type: single nucleotide variant.
Coding change: c.5909T>A on transcript NM_001384474.1 (MANE Select); coding-DNA position 5909, T replaced by A.
Protein change: p.Val1970Asp; replaces valine 1970 with aspartic acid.
Molecular consequence: missense variant.
Genome position (GRCh38, 1-based): chr18:46,489,112, A>T on the plus strand (T>A on the coding strand, the complement: LOXHD1 is on the minus strand). VCF-style: chr18-46489112-A-T. GRCh37 (hg19) VCF-style: chr18-44069075-A-T.
Other names: c.2576T>A, p.Val859Asp (NM_001145472.3); c.626T>A, p.Val209Asp (NM_001145473.3, NM_001173129.2); c.2288T>A, p.Val763Asp (NM_001308013.2); c.5723T>A, p.Val1908Asp (NM_144612.7); c.5723T>A (NM_144612.6); short protein forms V1908D, V209D, V763D, V859D, V1970D.
Identifiers: ClinVar variation 595328 (VCV000595328.6), dbSNP rs982069910, ClinGen allele CA299787013.
Genomic context (GRCh38, chr18:46,489,112, plus strand): 5'-GAGAGCCAGCAGTCACACTGGAAGTGGAAGGTCTCGTCGCGGGAGTTGTCCTTCACATCG[A>T]CATAGCTCAGATGCCAGCCAGGAAATATCCCTGTGGAAAAGACACCATGGGGGTTGGAAG-3'
Protein context (NP_001371403.1, residues 1960-1980): GIFPGWHLSY[Val1970Asp]DVKDNSRDET